The following is an entry in ClinVar:

NM_005562.3(LAMC2):c.460C>T (p.Arg154Cys)

Gene: LAMC2 (laminin subunit gamma 2; plus strand). Cytogenetic location: 1q25.3.
Variant type: single nucleotide variant.
Coding change: c.460C>T on transcript NM_005562.3 (MANE Select); coding-DNA position 460, C replaced by T.
Protein change: p.Arg154Cys; replaces arginine 154 with cysteine.
Molecular consequence: missense variant.
Genome position (GRCh38, 1-based): chr1:183,218,445, C>T. VCF-style: chr1-183218445-C-T. GRCh37 (hg19) VCF-style: chr1-183187580-C-T.
Other names: c.460C>T, p.Arg154Cys (NM_018891.3); short protein forms R154C.
Identifiers: ClinVar variation 3117712 (VCV003117712.3), dbSNP rs535636160, ClinGen allele CA1282339.

ClinVar aggregate classification (germline): Uncertain significance. Review status: criteria provided, multiple submitters, no conflicts (2 of 4 stars). 2 submissions from 2 submitters: Uncertain significance (2). Last evaluated 2023-12-16.

Conditions:
Epidermolysis bullosa, junctional 3B, severe. Also called: EPIDERMOLYSIS BULLOSA, JUNCTIONAL 3B, GENERALIZED SEVERE; EPIDERMOLYSIS BULLOSA, JUNCTIONAL 3B, HERLITZ TYPE. Identifiers: MedGen C5676939, MONDO:0030749, OMIM 619786.
Epidermolysis bullosa, junctional 3A, intermediate. Also called: EPIDERMOLYSIS BULLOSA, JUNCTIONAL 3A, GENERALIZED INTERMEDIATE; EPIDERMOLYSIS BULLOSA, JUNCTIONAL 3A, NON-HERLITZ TYPE. Identifiers: MedGen C5676938, MONDO:0030748, OMIM 619785.
Inborn genetic diseases. Identifiers: MedGen C0950123, MeSH D030342.

Allele frequency attached by ClinVar (database versions not stated): gnomAD exomes 0.00001; TOPMed 0.00001; ExAC 0.00002; gnomAD 0.00002; 1000 Genomes Project 30x 0.00031; 1000 Genomes Project 0.00040.

Submissions (2):

Ambry Genetics
Classification: Uncertain significance for Inborn genetic diseases. Last evaluated: 2023-12-16. Review status: criteria provided, single submitter. Criteria: Ambry Variant Classification Scheme 2023. Collection method: clinical testing. Allele origin: germline.

Juno Genomics, Hangzhou Juno Genomics, Inc
Classification: Uncertain significance for Epidermolysis bullosa, junctional 3A, intermediate; Epidermolysis bullosa, junctional 3B, severe. Review status: criteria provided, single submitter. Criteria: ACMG Guidelines, 2015. Collection method: clinical testing. Allele origin: germline.
Comment: Absent from controls (or at extremely low frequency if recessive) in Genome Aggregation Database.